The following is an entry in ClinVar:

NM_001458.5(FLNC):c.5054del (p.Pro1685fs)

Gene: FLNC (filamin C; plus strand). Cytogenetic location: 7q32.1.
Variant type: Deletion.
Coding change: c.5054del on transcript NM_001458.5 (MANE Select); coding-DNA position 5054, one base deleted (C; older notation c.5054delC).
Protein change: p.Pro1685fs; shifts the reading frame from proline 1685.
Molecular consequence: frameshift variant.
Genome position (GRCh38, 1-based): chr7:128,849,433, C deleted; the last of 2 consecutive C bases (chr7:128,849,432-128,849,433); deleting either gives the same sequence. VCF-style (leftmost placement, unchanged base first): chr7-128849431-GC-G. GRCh37 (hg19) VCF-style: chr7-128489485-GC-G.
Other names: c.5054del, p.Pro1685fs (NM_001127487.2); short protein forms P1685fs.
Identifiers: ClinVar variation 4812533 (VCV004812533.1).

ClinVar aggregate classification (germline): Pathogenic (1 of 4 stars; one submission).

Conditions:
Hypertrophic cardiomyopathy 26. Also called: Cardiomyopathy, familial hypertrophic, 26. Identifiers: Orphanet 75249, MedGen C4310749, MONDO:0014883, OMIM 617047.
Myofibrillar myopathy 5. Also called: Filaminopathy (type); FILAMINOPATHY, AUTOSOMAL DOMINANT. Identifiers: Orphanet 171445, MedGen C1836050, MONDO:0012289, OMIM 609524.
Distal myopathy with posterior leg and anterior hand involvement. Also called: WILLIAMS DISTAL MYOPATHY. Identifiers: Orphanet 63273, MedGen C3279722, MONDO:0013550, OMIM 614065.

Submission:

Labcorp Genetics (formerly Invitae), Labcorp
Classification: Pathogenic for Distal myopathy with posterior leg and anterior hand involvement; Myofibrillar myopathy 5; Hypertrophic cardiomyopathy 26. Last evaluated: 2025-10-07. Review status: criteria provided, single submitter. Criteria: Invitae Variant Classification Sherloc (09022015). Collection method: clinical testing. Allele origin: germline.
Comment: This sequence change creates a premature translational stop signal (p.Pro1685Argfs*98) in the FLNC gene. It is expected to result in an absent or disrupted protein product. Loss-of-function variants in FLNC are known to be pathogenic (PMID: 27908349). This variant is not present in population databases (gnomAD no frequency). This variant has not been reported in the literature in individuals affected with FLNC-related conditions. For these reasons, this variant has been classified as Pathogenic.

Literature cited by the submitters: PubMed 27908349.